The following is an entry in ClinVar:

NM_000264.5(PTCH1):c.3139C>G (p.Leu1047Val)

Gene: PTCH1 (patched 1; minus strand). Cytogenetic location: 9q22.32.
Variant type: single nucleotide variant.
Coding change: c.3139C>G on transcript NM_000264.5 (MANE Select); coding-DNA position 3139, C replaced by G.
Protein change: p.Leu1047Val; replaces leucine 1047 with valine.
Molecular consequence: missense variant. On other transcripts: non-coding transcript variant (1).
Genome position (GRCh38, 1-based): chr9:95,458,042, G>C on the plus strand (C>G on the coding strand, the complement: PTCH1 is on the minus strand). VCF-style: chr9-95458042-G-C. GRCh37 (hg19) VCF-style: chr9-98220324-G-C.
Other names: c.2941C>G, p.Leu981Val (NM_001083602.3); c.3136C>G, p.Leu1046Val (NM_001083603.3); c.2686C>G, p.Leu896Val (NM_001083604.3, NM_001083605.3, NM_001083606.3 and 1 more transcripts); c.2983C>G, p.Leu995Val (NM_001354918.2); short protein forms L1046V, L981V, L1047V, L896V, L995V.
Identifiers: ClinVar variation 1728047 (VCV001728047.2), dbSNP rs1053698119, ClinGen allele CA374112307.
Genomic context (GRCh38, chr9:95,458,042, plus strand): 5'-ACTTCCACAAAGCCCCTTATAATACACTCACAATGATCCCGGCCGTCCAGGGGTTCAGAA[G>C]GAAGACAGCGCACACGAGGAATGTGCAGGCCAACACCACGCTGATGAACAGCAGCAGCCA-3'
Protein context (NP_000255.2, residues 1037-1057): ACTFLVCAVF[Leu1047Val]LNPWTAGIIV

ClinVar aggregate classification (germline): Uncertain significance (1 of 4 stars; one submission).

Conditions:
Hereditary cancer-predisposing syndrome. Also called: Tumor predisposition; Neoplastic Syndromes, Hereditary; Hereditary Cancer Syndrome; Hereditary neoplastic syndrome. Identifiers: Orphanet 140162, MedGen C0027672, MeSH D009386, MONDO:0015356.

Submission:

Ambry Genetics
Classification: Uncertain significance for Hereditary cancer-predisposing syndrome. Last evaluated: 2022-07-15. Review status: criteria provided, single submitter. Criteria: Ambry Variant Classification Scheme 2023. Collection method: clinical testing. Allele origin: germline.
Comment: The p.L1047V variant (also known as c.3139C>G), located in coding exon 18 of the PTCH1 gene, results from a C to G substitution at nucleotide position 3139. The leucine at codon 1047 is replaced by valine, an amino acid with highly similar properties. This amino acid position is conserved. In addition, this alteration is predicted to be deleterious by in silico analysis. Since supporting evidence is limited at this time, the clinical significance of this alteration remains unclear.